The following is an entry in ClinVar:

ClinVar aggregate classification (germline): Uncertain significance. Review status: criteria provided, multiple submitters, no conflicts (2 of 4 stars). 2 submissions from 2 submitters: Uncertain significance (2). Last evaluated 2025-08-31.

Conditions:
Acute myeloid leukemia (AML). Also called: Leukemia, acute myeloid, somatic; Leukemia, acute myelogenous, somatic; Acute myeloid leukemia, adult; AML adult; Acute non-lymphocytic leukemia; Acute granulocytic leukemia. Identifiers: Orphanet 519, MedGen C0023467, MeSH D015470, MONDO:0018874, OMIM 601626, HP:0004808. Disease mechanism: Constitutively activated FLT3.
Inborn genetic diseases. Identifiers: MedGen C0950123, MeSH D030342.

Submissions (2):

Ambry Genetics
Classification: Uncertain significance for Inborn genetic diseases. Last evaluated: 2025-08-31. Review status: criteria provided, single submitter. Criteria: Ambry Variant Classification Scheme 2023. Collection method: clinical testing. Allele origin: germline.
Comment: The p.T60S variant (also known as c.178A>T), located in coding exon 1 of the CEBPA gene, results from an A to T substitution at nucleotide position 178. The threonine at codon 60 is replaced by serine, an amino acid with similar properties. This amino acid position is conserved. In addition, this alteration is predicted to be tolerated by in silico analysis. Based on the available evidence, the clinical significance of this variant remains unclear.

Labcorp Genetics (formerly Invitae), Labcorp
Classification: Uncertain significance for Acute myeloid leukemia. Last evaluated: 2025-05-05. Review status: criteria provided, single submitter. Criteria: Invitae Variant Classification Sherloc (09022015). Collection method: clinical testing. Allele origin: germline.
Comment: This sequence change replaces threonine, which is neutral and polar, with serine, which is neutral and polar, at codon 60 of the CEBPA protein (p.Thr60Ser). This variant is not present in population databases (gnomAD no frequency). This variant has not been reported in the literature in individuals affected with CEBPA-related conditions. ClinVar contains an entry for this variant (Variation ID: 408747). Invitae Evidence Modeling of protein sequence and biophysical properties (such as structural, functional, and spatial information, amino acid conservation, physicochemical variation, residue mobility, and thermodynamic stability) indicates that this missense variant is not expected to disrupt CEBPA protein function with a negative predictive value of 80%. In summary, the available evidence is currently insufficient to determine the role of this variant in disease. Therefore, it has been classified as a Variant of Uncertain Significance.

NM_004364.5(CEBPA):c.178A>T (p.Thr60Ser)

Gene: CEBPA (CCAAT enhancer binding protein alpha; minus strand). Cytogenetic location: 19q13.11.
Variant type: single nucleotide variant.
Coding change: c.178A>T on transcript NM_004364.5 (MANE Select); coding-DNA position 178, A replaced by T.
Protein change: p.Thr60Ser; replaces threonine 60 with serine.
Molecular consequence: missense variant. On other transcripts: 5 prime UTR variant (1).
Genome position (GRCh38, 1-based): chr19:33,302,237, T>A on the plus strand (A>T on the coding strand, the complement: CEBPA is on the minus strand). VCF-style: chr19-33302237-T-A. GRCh37 (hg19) VCF-style: chr19-33793143-T-A.
Other names: c.-180A>T (NM_001285829.2); c.283A>T, p.Thr95Ser (NM_001287424.2); c.136A>T, p.Thr46Ser (NM_001287435.2); c.178A>T (NM_004364.3); short protein forms T60S, T95S, T46S.
Identifiers: ClinVar variation 408747 (VCV000408747.12), dbSNP rs1060502120, ClinGen allele CA16616041.